The following is an entry in ClinVar:

NM_000545.8(HNF1A):c.1136dup (p.Val380fs)

Gene: HNF1A (HNF1 homeobox A; plus strand). Cytogenetic location: 12q24.31.
Variant type: Duplication.
Coding change: c.1136dup on transcript NM_000545.8 (MANE Select); coding-DNA position 1136, one base duplicated (C; older notation c.1136dupC).
Protein change: p.Val380fs; shifts the reading frame from valine 380.
Molecular consequence: frameshift variant.
Genome position (GRCh38, 1-based): chr12:120,996,569, C duplicated; the last of 6 consecutive C bases (chr12:120,996,564-120,996,569); duplicating any one gives the same sequence. VCF-style (leftmost placement, unchanged base first): chr12-120996563-T-TC. GRCh37 (hg19) VCF-style: chr12-121434366-T-TC.
Other names: c.1136dup, p.Val380fs (NM_001306179.2, NM_001406915.1); short protein forms V380fs.
Identifiers: ClinVar variation 2735986 (VCV002735986.4), dbSNP rs1593060859, ClinGen allele CA608060254.

ClinVar aggregate classification (germline): Pathogenic. Review status: criteria provided, multiple submitters, no conflicts (2 of 4 stars). 2 submissions from 2 submitters: Pathogenic (2). Last evaluated 2026-01-26.

Conditions:
Neurofibromatosis, type 1 (NF1). Also called: Neurofibromatosis, type I; Peripheral type neurofibromatosis; VON RECKLINGHAUSEN DISEASE; NEUROFIBROMATOSIS, TYPE I, SOMATIC. Identifiers: Orphanet 636, MedGen C0027831, MONDO:0018975, OMIM 162200. Disease mechanism: loss of function.

Submissions (2):

Medical and Scientific Branch, Hong Kong Genome Institute
Classification: Pathogenic for Neurofibromatosis, type 1. Last evaluated: 2026-01-26. Review status: criteria provided, single submitter. Criteria: ACMG Guidelines, 2015. Collection method: clinical testing. Allele origin: maternal. Affected: yes.

Labcorp Genetics (formerly Invitae), Labcorp
Classification: Pathogenic. Last evaluated: 2022-12-13. Review status: criteria provided, single submitter. Criteria: Invitae Variant Classification Sherloc (09022015). Collection method: clinical testing. Allele origin: germline.
Comment: This sequence change creates a premature translational stop signal (p.Val380Cysfs*39) in the HNF1A gene. It is expected to result in an absent or disrupted protein product. Loss-of-function variants in HNF1A are known to be pathogenic (PMID: 15928245, 18003757). The frequency data for this variant in the population databases is considered unreliable, as metrics indicate poor data quality at this position in the gnomAD database. This premature translational stop signal has been observed in individual(s) with maturity-onset diabetes of the young (MODY3) (PMID: 9097962, 34462253). For these reasons, this variant has been classified as Pathogenic.

Literature cited by the submitters: PubMed 15928245 (cited by Labcorp Genetics (formerly Invitae), Labcorp); PubMed 18003757 (cited by Labcorp Genetics (formerly Invitae), Labcorp); PubMed 9097962 (cited by Labcorp Genetics (formerly Invitae), Labcorp); PubMed 34462253 (cited by Labcorp Genetics (formerly Invitae), Labcorp).